The following is an entry in ClinVar:

NM_003119.4(SPG7):c.2379del (p.Trp793fs)

Gene: SPG7 (SPG7 matrix AAA peptidase subunit, paraplegin; plus strand). Cytogenetic location: 16q24.3.
Variant type: Deletion.
Coding change: c.2379del on transcript NM_003119.4 (MANE Select); coding-DNA position 2379, one base deleted (G; older notation c.2379delG).
Protein change: p.Trp793fs; shifts the reading frame from tryptophan 793.
Molecular consequence: frameshift variant. On other transcripts: 3 prime UTR variant (1).
Genome position (GRCh38, 1-based): chr16:89,557,084, G deleted; the last of 2 consecutive G bases (chr16:89,557,083-89,557,084); deleting either gives the same sequence. VCF-style (leftmost placement, unchanged base first): chr16-89557082-TG-T. GRCh37 (hg19) VCF-style: chr16-89623490-TG-T.
Other names: c.*157del (NM_001363850.1); short protein forms W793fs.
Identifiers: ClinVar variation 2577383 (VCV002577383.1), dbSNP rs1377874100, ClinGen allele CA725723339.

ClinVar aggregate classification (germline): Uncertain significance (1 of 4 stars; one submission).

Submission:

Women's Health and Genetics/Laboratory Corporation of America, LabCorp
Classification: Uncertain significance. Last evaluated: 2023-07-06. Review status: criteria provided, single submitter. Criteria: LabCorp Variant Classification Summary - May 2015. Collection method: clinical testing. Allele origin: germline.
Comment: Variant summary: SPG7 c.2379delG (p.Trp793CysfsX30) causes a frameshift which results in an extension of the protein. The variant was absent in 248730 control chromosomes. The available data on variant occurrences in the general population are insufficient to allow any conclusion about variant significance. To our knowledge, no occurrence of c.2379delG in individuals affected with Hereditary Spastic Paraplegia 7 and no experimental evidence demonstrating its impact on protein function have been reported. No submitters have cited clinical-significance assessments for this variant to ClinVar after 2014. Based on the evidence outlined above, the variant was classified as uncertain significance.